The following is an entry in ClinVar:

NM_001003694.2(BRPF1):c.1889T>C (p.Leu630Pro)

Gene: BRPF1 (bromodomain and PHD finger containing 1; plus strand). Cytogenetic location: 3p25.3.
Variant type: single nucleotide variant.
Coding change: c.1889T>C on transcript NM_001003694.2 (MANE Select); coding-DNA position 1889, T replaced by C.
Protein change: p.Leu630Pro; replaces leucine 630 with proline.
Molecular consequence: missense variant. On other transcripts: non-coding transcript variant (1).
Genome position (GRCh38, 1-based): chr3:9,742,059, T>C. VCF-style: chr3-9742059-T-C. GRCh37 (hg19) VCF-style: chr3-9783743-T-C.
Other names: c.1889T>C, p.Leu630Pro (NM_001319049.2, NM_001319050.2, NM_001410704.1 and 1 more transcripts); short protein forms L630P.
Identifiers: ClinVar variation 2580839 (VCV002580839.2), dbSNP rs1337450098, ClinGen allele CA351691838.

ClinVar aggregate classification (germline): Uncertain significance (1 of 4 stars; one submission).

Allele frequency attached by ClinVar (database versions not stated): gnomAD 0.00001.
gnomAD v4.1: 1 of 1,614,092 alleles (0.000062%); no homozygotes.

Submission:

GeneDx
Classification: Uncertain significance. Last evaluated: 2025-05-19. Review status: criteria provided, single submitter. Criteria: GeneDx Variant Classification Process June 2021. Collection method: clinical testing. Allele origin: germline.
Comment: In silico analysis supports that this missense variant has a deleterious effect on protein structure/function; Has not been previously published as pathogenic or benign to our knowledge